The following is an entry in ClinVar:

ClinVar aggregate classification (germline): Likely benign. Review status: criteria provided, multiple submitters, no conflicts (2 of 4 stars). 2 submissions from 2 submitters: Likely benign (2). Last evaluated 2026-01-28.

Conditions:
Fructose-biphosphatase deficiency (FBP1D). Also called: Fructose-1,6-Bisphosphatase 1 Deficiency; Fructose 1,6 Bisphosphatase Deficiency; Fructose-1,6-Diphosphatase Deficiency. Identifiers: Orphanet 348, MedGen C0016756, MONDO:0009251, OMIM 229700.

Allele frequency attached by ClinVar (database versions not stated): gnomAD exomes 0.00006 and 0.00002; TOPMed 0.00006; ExAC 0.00004; gnomAD 0.00002.
gnomAD v4.1: 39 of 1,612,536 alleles (0.0024%); highest among the groups gnomAD compares: Admixed American, 0.013%; no homozygotes.

Submissions (2):

Labcorp Genetics (formerly Invitae), Labcorp
Classification: Likely benign for Fructose-biphosphatase deficiency. Last evaluated: 2026-01-28. Review status: criteria provided, single submitter. Criteria: Invitae Variant Classification Sherloc (09022015). Collection method: clinical testing. Allele origin: germline.

GeneDx
Classification: Likely benign. Last evaluated: 2017-02-13. Review status: criteria provided, single submitter. Criteria: GeneDx Variant Classification (06012015). Collection method: clinical testing. Allele origin: germline. Affected: yes.
Comment: This variant is considered likely benign or benign based on one or more of the following criteria: it is a conservative change, it occurs at a poorly conserved position in the protein, it is predicted to be benign by multiple in silico algorithms, and/or has population frequency not consistent with disease.

NM_000507.4(FBP1):c.825+14C>G

Gene: FBP1 (fructose-bisphosphatase 1; minus strand). Cytogenetic location: 9q22.32.
Variant type: single nucleotide variant.
Coding change: c.825+14C>G on transcript NM_000507.4 (MANE Select); 14 bases into the intron after coding-DNA position 825, C replaced by G.
Molecular consequence: intron variant.
Genome position (GRCh38, 1-based): chr9:94,605,443, G>C on the plus strand (C>G on the coding strand, the complement: FBP1 is on the minus strand). VCF-style: chr9-94605443-G-C. GRCh37 (hg19) VCF-style: chr9-97367725-G-C.
Other names: c.825+14C>G (NM_001127628.2).
Identifiers: ClinVar variation 506334 (VCV000506334.4), dbSNP rs772828820, ClinGen allele CA5136113.
Genomic context (GRCh38, chr9:94,605,443, plus strand): 5'-CTTCTTCCTAAACTAAATCGCGTGGGCTGCAAGTGAAATCTGCTCCTCACTCCCTCTCCA[G>C]GGGACACCCTTACCTTTCCATTGGGGCTCTTCTTGTTAGCGGGGTACAGAAATATCCCTC-3'